The following is an entry in ClinVar:

ClinVar aggregate classification (germline): Pathogenic (1 of 4 stars; one submission).

gnomAD v4.1: 1 of 1,251,310 alleles (0.00008%); no homozygotes.

Submission:

Labcorp Genetics (formerly Invitae), Labcorp
Classification: Pathogenic. Last evaluated: 2023-08-14. Review status: criteria provided, single submitter. Criteria: Invitae Variant Classification Sherloc (09022015). Collection method: clinical testing. Allele origin: germline.
Comment: This sequence change creates a premature translational stop signal (p.Trp17*) in the KCNQ5 gene. It is expected to result in an absent or disrupted protein product. Loss-of-function variants in KCNQ5 are known to be pathogenic (PMID: 28669405, 35583973, 36088682). This variant is not present in population databases (gnomAD no frequency). This variant has not been reported in the literature in individuals affected with KCNQ5-related conditions. For these reasons, this variant has been classified as Pathogenic.

Literature cited by the submitters: PubMed 28669405; PubMed 35583973; PubMed 36088682.

NM_019842.4(KCNQ5):c.51G>A (p.Trp17Ter)

Genes: KCNQ5 (potassium voltage-gated channel subfamily Q member 5; plus strand), KCNQ5-DT (KCNQ5 divergent transcript; minus strand), LOC129996711 (ATAC-STARR-seq lymphoblastoid silent region 17329; plus strand). Cytogenetic location: 6q13.
Variant type: single nucleotide variant.
Coding change: c.51G>A on transcript NM_019842.4 (MANE Select); coding-DNA position 51, G replaced by A.
Protein change: p.Trp17Ter; replaces tryptophan 17 with a stop codon.
Molecular consequence: nonsense.
Genome position (GRCh38, 1-based): chr6:72,622,240, G>A. VCF-style: chr6-72622240-G-A. GRCh37 (hg19) VCF-style: chr6-73331968-G-A.
Other names: c.51G>A, p.Trp17Ter (NM_001160130.2, NM_001160132.2, NM_001160133.2 and 1 more transcripts); short protein forms W17*.
Identifiers: ClinVar variation 2752272 (VCV002752272.3), dbSNP rs1265096046, ClinGen allele CA364824049.